The following is an entry in ClinVar:

ClinVar aggregate classification (germline): Likely benign (1 of 4 stars; one submission).

Allele frequency attached by ClinVar (database versions not stated): gnomAD exomes 0.00009; ExAC 0.00022; 1000 Genomes Project 30x 0.00047; 1000 Genomes Project 0.00060; gnomAD 0.00060; TOPMed 0.00068; ESP Exome Variant Server 0.00085.
gnomAD v4.1: 242 of 1,614,126 alleles (0.015%); highest among the groups gnomAD compares: African/African-American, 0.25%; 1 homozygote.

Submission:

CeGaT Center for Human Genetics Tuebingen
Classification: Likely benign. Last evaluated: 2022-11-01. Review status: criteria provided, single submitter. Criteria: CeGaT Center For Human Genetics Tuebingen Variant Classification Criteria Version 2. Collection method: clinical testing. Allele origin: germline. Affected: yes. Observed: 1 variant allele.
Comment: MARCHF2: BP4, BP7

NM_001005415.2(MARCHF2):c.672C>T (p.Pro224=)

Gene: MARCHF2 (membrane associated ring-CH-type finger 2; plus strand). Cytogenetic location: 19p13.2.
Variant type: single nucleotide variant.
Coding change: c.672C>T on transcript NM_001005415.2 (MANE Select); coding-DNA position 672, C replaced by T.
Protein change: p.Pro224=; no amino-acid change (proline 224 retained).
Molecular consequence: synonymous variant. On other transcripts: non-coding transcript variant (1).
Genome position (GRCh38, 1-based): chr19:8,438,477, C>T. VCF-style: chr19-8438477-C-T. GRCh37 (hg19) VCF-style: chr19-8503361-C-T.
Other names: c.462C>T, p.Pro154= (NM_001005416.2); c.672C>T, p.Pro224= (NM_001369776.1, NM_001369777.1, NM_001369778.1 and 2 more transcripts).
Identifiers: ClinVar variation 2649200 (VCV002649200.24), dbSNP rs143906987, ClinGen allele CA9156699.